The following is an entry in ClinVar:

NM_181882.3(PRX):c.4377G>A (p.Ala1459=)

Gene: PRX (periaxin; minus strand). Cytogenetic location: 19q13.2.
Variant type: single nucleotide variant.
Coding change: c.4377G>A on transcript NM_181882.3 (MANE Select); coding-DNA position 4377, G replaced by A.
Protein change: p.Ala1459=; no amino-acid change (alanine 1459 retained).
Molecular consequence: synonymous variant. On other transcripts: 3 prime UTR variant (1).
Genome position (GRCh38, 1-based): chr19:40,393,975, C>T on the plus strand (G>A on the coding strand, the complement: PRX is on the minus strand). VCF-style: chr19-40393975-C-T. GRCh37 (hg19) VCF-style: chr19-40899882-C-T.
Other names: c.*4582G>A (NM_020956.2).
Identifiers: ClinVar variation 699488 (VCV000699488.10), dbSNP rs377062046, ClinGen allele CA9443622.

ClinVar aggregate classification (germline): Likely benign. Review status: criteria provided, multiple submitters, no conflicts (2 of 4 stars). 2 submissions from 2 submitters: Likely benign (2). Last evaluated 2025-03-13.

Conditions:
Charcot-Marie-Tooth disease type 4. Also called: Charcot-Marie-Tooth disease, type IV; Charcot-Marie-Tooth, Type 4. Identifiers: Orphanet 64749, MedGen C4082197, MONDO:0018995.
PRX-related disorder. Also called: PRX-Related Disorders; PRX-related condition.

Allele frequency attached by ClinVar (database versions not stated): gnomAD exomes 0.00002 and 0.00003; ExAC 0.00001; gnomAD 0.00004; TOPMed 0.00006; ESP Exome Variant Server 0.00008.
gnomAD v4.1: 42 of 1,612,388 alleles (0.0026%); highest among the groups gnomAD compares: African/African-American, 0.012%; no homozygotes.

Submissions (2):

PreventionGenetics, part of Exact Sciences
Classification: Likely benign for PRX-related condition. Last evaluated: 2025-03-13. Review status: criteria provided, single submitter. Criteria: ACMG Guidelines, 2015. Collection method: clinical testing. Allele origin: germline.
Comment: This variant is classified as likely benign based on ACMG/AMP sequence variant interpretation guidelines (Richards et al. 2015 PMID: 25741868, with internal and published modifications).

Labcorp Genetics (formerly Invitae), Labcorp
Classification: Likely benign for Charcot-Marie-Tooth disease type 4. Last evaluated: 2024-09-29. Review status: criteria provided, single submitter. Criteria: Invitae Variant Classification Sherloc (09022015). Collection method: clinical testing. Allele origin: germline.